The following is an entry in ClinVar:

ClinVar aggregate classification (germline): Uncertain significance. Review status: criteria provided, multiple submitters, no conflicts (2 of 4 stars). 2 submissions from 2 submitters: Uncertain significance (2). Last evaluated 2024-04-08.

Conditions:
Inborn genetic diseases. Identifiers: MedGen C0950123, MeSH D030342.

Allele frequency attached by ClinVar (database versions not stated): ExAC 0.00002; gnomAD exomes 0.00002; ESP Exome Variant Server 0.00008; gnomAD 0.00011 and 0.00013; TOPMed 0.00012.
gnomAD v4.1: 28 of 1,614,044 alleles (0.0017%); highest among the groups gnomAD compares: African/African-American, 0.027%; no homozygotes.

Submissions (2):

Ambry Genetics
Classification: Uncertain significance for Inborn genetic diseases. Last evaluated: 2024-04-08. Review status: criteria provided, single submitter. Criteria: Ambry Variant Classification Scheme 2023. Collection method: clinical testing. Allele origin: germline.

Labcorp Genetics (formerly Invitae), Labcorp
Classification: Uncertain significance. Last evaluated: 2021-09-02. Review status: criteria provided, single submitter. Criteria: Invitae Variant Classification Sherloc (09022015). Collection method: clinical testing. Allele origin: germline.
Comment: This sequence change replaces serine with proline at codon 482 of the ADAMTSL4 protein (p.Ser482Pro). The serine residue is highly conserved and there is a moderate physicochemical difference between serine and proline. This variant is present in population databases (rs372026086, ExAC 0.02%). This variant has not been reported in the literature in individuals affected with ADAMTSL4-related conditions. Algorithms developed to predict the effect of missense changes on protein structure and function (SIFT, PolyPhen-2, Align-GVGD) all suggest that this variant is likely to be disruptive. In summary, the available evidence is currently insufficient to determine the role of this variant in disease. Therefore, it has been classified as a Variant of Uncertain Significance.

NM_019032.6(ADAMTSL4):c.1444T>C (p.Ser482Pro)

Genes: ADAMTSL4 (ADAMTS like 4; plus strand), ADAMTSL4-AS2 (ADAMTSL4 antisense RNA 2; minus strand). Cytogenetic location: 1q21.2.
Variant type: single nucleotide variant.
Coding change: c.1444T>C on transcript NM_019032.6 (MANE Select); coding-DNA position 1444, T replaced by C.
Protein change: p.Ser482Pro; replaces serine 482 with proline.
Molecular consequence: missense variant.
Genome position (GRCh38, 1-based): chr1:150,556,234, T>C. VCF-style: chr1-150556234-T-C. GRCh37 (hg19) VCF-style: chr1-150528710-T-C.
Other names: c.1513T>C, p.Ser505Pro (NM_001288607.2, NM_001288608.2); c.1444T>C, p.Ser482Pro (NM_001378596.1, NM_025008.5); c.1444T>C (NM_019032.4); short protein forms S482P, S505P.
Identifiers: ClinVar variation 1413378 (VCV001413378.4), dbSNP rs372026086, ClinGen allele CA1078274.